The following is an entry in ClinVar:

ClinVar aggregate classification (germline): Pathogenic. Review status: reviewed by expert panel (3 of 4 stars). 2 submissions from 2 submitters: Pathogenic (1). 1 of the submissions does not count toward it. Last evaluated 2016-09-08.

Conditions:
Breast-ovarian cancer, familial, susceptibility to, 1 (BROVCA1). Also called: OVARIAN CANCER, SUSCEPTIBILITY TO; BRCA1 Hereditary Breast and Ovarian Cancer. Identifiers: Orphanet 145, MedGen C2676676, MONDO:0011450, OMIM 604370. Disease mechanism: loss of function.

Submissions (2):

Evidence-based Network for the Interpretation of Germline Mutant Alleles (ENIGMA)
Classification: Pathogenic for Breast-ovarian cancer, familial, susceptibility to, 1. Last evaluated: 2016-09-08. Review status: reviewed by expert panel. Criteria: ENIGMA BRCA1/2 Classification Criteria (2015). Collection method: curation. Allele origin: germline.
Comment: Variant allele predicted to encode a truncated non-functional protein.

Consortium of Investigators of Modifiers of BRCA1/2 (CIMBA), c/o University of Cambridge
Classification: Pathogenic for Breast-ovarian cancer, familial, susceptibility to, 1. Last evaluated: 2015-10-02. Review status: criteria provided, single submitter. Criteria: CIMBA Mutation Classification guidelines May 2016. Collection method: clinical testing. Allele origin: germline. Not counted in ClinVar's aggregate classification.

NM_007294.4(BRCA1):c.2298dup (p.Ser767Ter)

Gene: BRCA1 (BRCA1 DNA repair associated; minus strand). Cytogenetic location: 17q21.31.
Variant type: Duplication.
Coding change: c.2298dup on transcript NM_007294.4 (MANE Select); coding-DNA position 2298, one base duplicated (T; older notation c.2298dupT).
Protein change: p.Ser767Ter; replaces serine 767 with a stop codon.
Molecular consequence: nonsense. On other transcripts: frameshift variant (1), intron variant (137).
Genome position (GRCh38, 1-based): chr17:43,093,233, A duplicated on the plus strand (T on the coding strand, the reverse complement: BRCA1 is on the minus strand). VCF-style (leftmost placement, unchanged base first): chr17-43093232-T-TA. GRCh37 (hg19) VCF-style: chr17-41245249-T-TA.
Other names: c.2298dupT (NM_007294.3); c.2085dup, p.Ser696Ter (NM_001407571.1, NM_001407853.1, NM_001407894.1 and 9 more transcripts); c.2298dup, p.Ser767Ter (NM_001407581.1, NM_001407582.1, NM_001407583.1 and 30 more transcripts); c.2295dup, p.Ser766Ter (NM_001407587.1, NM_001407590.1, NM_001407591.1 and 22 more transcripts); c.2289dup, p.Ser764Ter (NM_001407646.1, NM_001407647.1); c.2175dup, p.Ser726Ter (NM_001407648.1, NM_001407664.1, NM_001407665.1 and 19 more transcripts); c.2172dup, p.Ser725Ter (NM_001407649.1, NM_001407670.1, NM_001407671.1 and 11 more transcripts); c.2220dup, p.Ser741Ter (NM_001407653.1, NM_001407654.1, NM_001407655.1 and 4 more transcripts); and 42 more; short protein forms S767*, S720*, S696*, S699*, S700*, S741*, S639*, S678*.
Identifiers: ClinVar variation 188409 (VCV000188409.4), dbSNP rs786204264, ClinGen allele CA026480.
Genomic context (GRCh38, chr17:43,093,232, plus strand): 5'-CCAGTAACGAGATACTTTCCTGAGTGCCATAATCAGTACCAGGTACCAATGAAATACTGC[T>TA]ACTCTCTACAGATCTTTCAGTTTGCAAAACCCTTTCTCCACTTAACATGAGATCTTTGGG-3'